The following is an entry in ClinVar:

NM_007289.4(MME):c.1497+1G>C

Gene: MME (membrane metalloendopeptidase; plus strand). Cytogenetic location: 3q25.2.
Variant type: single nucleotide variant.
Coding change: c.1497+1G>C on transcript NM_007289.4 (MANE Select); the canonical splice donor site of the intron after coding-DNA position 1497, G replaced by C.
Molecular consequence: splice donor variant.
Genome position (GRCh38, 1-based): chr3:155,147,225, G>C. VCF-style: chr3-155147225-G-C. GRCh37 (hg19) VCF-style: chr3-154865014-G-C.
Other names: c.1497+1G>C (NM_001354642.2, NM_000902.5, NM_007287.4 and 2 more transcripts).
Identifiers: ClinVar variation 432802 (VCV000432802.16), dbSNP rs1395068713, ClinGen allele CA355130964.
Genomic context (GRCh38, chr3:155,147,225, plus strand): 5'-ATCGGCTATCCTGATGACATTGTTTCAAATGATAACAAACTGAATAATGAGTACCTCGAG[G>C]TAAGTCTCTATAAAATAGACTCTGGACTACTGATACTTAGGGCTGGTAGTAGTGTCATTT-3'

ClinVar aggregate classification (germline): Likely pathogenic. Review status: criteria provided, multiple submitters, no conflicts (2 of 4 stars). 3 submissions from 3 submitters: Likely pathogenic (3). Last evaluated 2026-10-01.

Conditions:
Charcot-Marie-Tooth disease axonal type 2T. Identifiers: Orphanet 443950, MedGen C4015635, OMIM 617017, MONDO:0014866.

Allele frequency attached by ClinVar (database versions not stated): TOPMed 0.00001; gnomAD 0.00002.
gnomAD v4.1: 8 of 1,574,252 alleles (0.00051%); highest among the groups gnomAD compares: African/African-American, 0.0014%; no homozygotes.

Submissions (3):

GeneDx
Classification: Likely pathogenic. Last evaluated: 2026-10-01. Review status: criteria provided, single submitter. Criteria: GeneDx Variant Classification Process June 2021. Collection method: clinical testing. Allele origin: germline.
Comment: Canonical splice site variant predicted to result in an in-frame loss of the adjacent exon in a gene for which loss of function is a known mechanism of disease; Not observed at significant frequency in large population cohorts (gnomAD); Has not been previously published as pathogenic or benign to our knowledge

Labcorp Genetics (formerly Invitae), Labcorp
Classification: Likely pathogenic. Last evaluated: 2025-09-01. Review status: criteria provided, single submitter. Criteria: Invitae Variant Classification Sherloc (09022015). Collection method: clinical testing. Allele origin: germline.
Comment: This sequence change affects a donor splice site in intron 15 of the MME gene. It is expected to disrupt RNA splicing. Variants that disrupt the donor or acceptor splice site typically lead to a loss of protein function (PMID: 16199547), and loss-of-function variants in MME are known to be pathogenic (PMID: 26991897). This variant is not present in population databases (gnomAD no frequency). Disruption of this splice site has been observed in individual(s) with neuropathy (PMID: 37273706). ClinVar contains an entry for this variant (Variation ID: 432802). Algorithms developed to predict the effect of sequence changes on RNA splicing suggest that this variant may disrupt the consensus splice site. In summary, the currently available evidence indicates that the variant is pathogenic, but additional data are needed to prove that conclusively. Therefore, this variant has been classified as Likely Pathogenic.

Women's Health and Genetics/Laboratory Corporation of America, LabCorp
Classification: Likely pathogenic for Charcot-Marie-Tooth disease axonal type 2T. Last evaluated: 2023-12-21. Review status: criteria provided, single submitter. Criteria: LabCorp Variant Classification Summary - May 2015. Collection method: clinical testing. Allele origin: germline.
Comment: Variant summary: MME c.1497+1G>C is located in a canonical splice-site and is predicted to affect mRNA splicing resulting in a significantly altered protein due to either exon skipping, shortening, or inclusion of intronic material. Several computational tools predict a significant impact on normal splicing: Four predict the variant abolishes a 5' splicing donor site. However, these predictions have yet to be confirmed by functional studies. The variant was absent in 250698 control chromosomes. To our knowledge, no occurrence of c.1497+1G>C in individuals affected with Charcot-Marie Disease Axonal Type 2T and no experimental evidence demonstrating its impact on protein function have been reported. Two submitters have cited clinical-significance assessments for this variant to ClinVar after 2014. All submitters classified the variant as likely pathogenic. Based on the evidence outlined above, the variant was classified as likely pathogenic.

Literature cited by the submitters: PubMed 16199547 (cited by Labcorp Genetics (formerly Invitae), Labcorp); PubMed 26991897 (cited by Labcorp Genetics (formerly Invitae), Labcorp); PubMed 37273706 (cited by Labcorp Genetics (formerly Invitae), Labcorp).